The following is an entry in ClinVar:

NM_144988.4(ALG14):c.100dup (p.Arg34fs)

Genes: ALG14 (ALG14 UDP-N-acetylglucosaminyltransferase subunit; minus strand), LOC129930989 (ATAC-STARR-seq lymphoblastoid active region 1353; plus strand). Cytogenetic location: 1p21.3.
Variant type: Duplication.
Coding change: c.100dup on transcript NM_144988.4 (MANE Select); coding-DNA position 100, one base duplicated (C; older notation c.100dupC).
Protein change: p.Arg34fs; shifts the reading frame from arginine 34.
Molecular consequence: frameshift variant. On other transcripts: non-coding transcript variant (1).
Genome position (GRCh38, 1-based): chr1:95,072,799, G duplicated on the plus strand (C on the coding strand, the reverse complement: ALG14 is on the minus strand); the first of 4 consecutive G bases (chr1:95,072,799-95,072,802); duplicating any one gives the same sequence. VCF-style (leftmost placement, unchanged base first): chr1-95072798-C-CG. GRCh37 (hg19) VCF-style: chr1-95538354-C-CG.
Other names: c.100dup, p.Arg34fs (NM_001305242.2); short protein forms R34fs.
Identifiers: ClinVar variation 421218 (VCV000421218.2), dbSNP rs1064794986, ClinGen allele CA16617215.
Genomic context (GRCh38, chr1:95,072,798, plus strand): 5'-CGACAGTCGCCTCCTCGATACTTACCGGACCCAGCCACTACCAAGATACTGAGAGACTCC[C>CG]GGGGCGTAACGTCCATGGAACGAAGCACTACCCATATTCGCAGGATTAGGAAAACCGCCA-3'

ClinVar aggregate classification (germline): Uncertain significance (1 of 4 stars; one submission).

Submission:

GeneDx
Classification: Uncertain significance. Last evaluated: 2016-05-11. Review status: criteria provided, single submitter. Criteria: GeneDx Variant Classification (06012015). Collection method: clinical testing. Allele origin: germline. Affected: yes.
Comment: The c.100dupC variant in the ALG14 gene has not been reported previously as a pathogenic variant nor as a benign variant, to our knowledge. The c.100dupC variant causes a frameshift starting with codon Arginine 34, changes this amino acid to a Proline residue, and creates a premature Stop codon at position 18 of the new reading frame, denoted p.Arg34ProfsX18. This variant is predicted to cause loss of normal protein function either through protein truncation or nonsense-mediated mRNA decay. The c.100dupC variant was not observed in approximately 6,500 individuals of European and African American ancestry in the NHLBI Exome Sequencing Project, indicating it is not a common benign variant in these populations. We interpret c.100dupC as a variant of uncertain significance.